The following is an entry in ClinVar:

NM_023110.3(FGFR1):c.2200C>T (p.Arg734Trp)

Gene: FGFR1 (fibroblast growth factor receptor 1; minus strand). Cytogenetic location: 8p11.23.
Variant type: single nucleotide variant.
Coding change: c.2200C>T on transcript NM_023110.3 (MANE Select); coding-DNA position 2200, C replaced by T.
Protein change: p.Arg734Trp; replaces arginine 734 with tryptophan.
Molecular consequence: missense variant.
Genome position (GRCh38, 1-based): chr8:38,414,010, G>A on the plus strand (C>T on the coding strand, the complement: FGFR1 is on the minus strand). VCF-style: chr8-38414010-G-A. GRCh37 (hg19) VCF-style: chr8-38271528-G-A.
Other names: c.2194C>T, p.Arg732Trp (NM_001174063.2, NM_001174065.2, NM_001354367.2 and 1 more transcripts); c.2170C>T, p.Arg724Trp (NM_001174064.2); c.1933C>T, p.Arg645Trp (NM_001174066.2, NM_023105.3); c.2293C>T, p.Arg765Trp (NM_001174067.2); c.1921C>T, p.Arg641Trp (NM_001354368.2); c.2188C>T, p.Arg730Trp (NM_001354369.2); c.1927C>T, p.Arg643Trp (NM_001354370.2, NM_023106.3); c.2200C>T (NM_023110.2); short protein forms R643W, R730W, R724W, R734W, R641W, R645W, R732W, R765W.
Identifiers: ClinVar variation 1385879 (VCV001385879.8), dbSNP rs1329256283, ClinGen allele CA370728163.
Genomic context (GRCh38, chr8:38,414,010, plus strand): 5'-GGTCTTCCACCAGCTGCTTGAAGGTGGGTCTCTGTGAGGGCACTGCATGCCAGCAGTCCC[G>A]CATCATCATGTACCTGCGGCAGGACTGTAAGGTCAGGGACGTCTCCTGGAGATGGATACT-3'
Protein context (NP_075598.2, residues 724-744): NCTNELYMMM[Arg734Trp]DCWHAVPSQR

ClinVar aggregate classification (germline): Uncertain significance. Review status: criteria provided, multiple submitters, no conflicts (2 of 4 stars). 3 submissions from 3 submitters: Uncertain significance (3). Last evaluated 2024-05-23.

Conditions:
Pfeiffer syndrome (ACS5). Also called: ACS V. Identifiers: Orphanet 710, MedGen C0220658, MONDO:0007043, OMIM 101600.
Hypogonadotropic hypogonadism 2 with or without anosmia (HH2). Also called: FGFR1-Related GnRH Deficiency (Kallmann Syndrome 2); HYPOGONADOTROPIC HYPOGONADISM 2 WITHOUT ANOSMIA; HYPOGONADOTROPIC HYPOGONADISM 2 WITH OR WITHOUT ANOSMIA, SUSCEPTIBILITY TO; HYPOGONADOTROPIC HYPOGONADISM 2 WITHOUT ANOSMIA, SUSCEPTIBILITY TO. Identifiers: Orphanet 478, MedGen C1563720, MONDO:0007844, OMIM 147950. Disease mechanism: loss of function.
Encephalocraniocutaneous lipomatosis (ECCL). Identifiers: Orphanet 2396, MedGen C0406612, MONDO:0013074, OMIM 613001.
Hartsfield-Bixler-Demyer syndrome (HRTFDS). Also called: Holoprosencephaly, ectrodactyly, and bilateral cleft lip/palate; FGFR1-Related Hartsfield Syndrome; Hartsfield syndrome. Identifiers: Orphanet 2117, MedGen C1845146, MONDO:0014196, OMIM 615465. Disease mechanism: loss of function.
Trigonocephaly 1 (TRIGNO1). Identifiers: Orphanet 3366, MedGen C0432122, MONDO:0008603, OMIM 190440.
Jackson-Weiss syndrome (JWS). Also called: CRANIOSYNOSTOSIS, MIDFACIAL HYPOPLASIA, AND FOOT ABNORMALITIES. Identifiers: Orphanet 1540, MedGen C0795998, MONDO:0007400, OMIM 123150. Disease mechanism: loss of function.
Osteoglophonic dysplasia (OGD). Also called: Osteoglophonic dwarfism. Identifiers: Orphanet 2645, MedGen C0432283, MONDO:0008150, OMIM 166250.

Allele frequency attached by ClinVar (database versions not stated): gnomAD exomes 0.00001.
gnomAD v4.1: 7 of 1,613,984 alleles (0.00043%); highest among the groups gnomAD compares: South Asian, 0.0033%; no homozygotes.

Submissions (3):

Labcorp Genetics (formerly Invitae), Labcorp
Classification: Uncertain significance for Pfeiffer syndrome; Hypogonadotropic hypogonadism 2 with or without anosmia. Last evaluated: 2024-05-23. Review status: criteria provided, single submitter. Criteria: Invitae Variant Classification Sherloc (09022015). Collection method: clinical testing. Allele origin: germline.
Comment: This sequence change replaces arginine, which is basic and polar, with tryptophan, which is neutral and slightly polar, at codon 734 of the FGFR1 protein (p.Arg734Trp). The frequency data for this variant in the population databases is considered unreliable, as metrics indicate poor data quality at this position in the gnomAD database. This variant has not been reported in the literature in individuals affected with FGFR1-related conditions. ClinVar contains an entry for this variant (Variation ID: 1385879). Advanced modeling of protein sequence and biophysical properties (such as structural, functional, and spatial information, amino acid conservation, physicochemical variation, residue mobility, and thermodynamic stability) performed at Invitae indicates that this missense variant is expected to disrupt FGFR1 protein function with a positive predictive value of 95%. In summary, the available evidence is currently insufficient to determine the role of this variant in disease. Therefore, it has been classified as a Variant of Uncertain Significance.

GeneDx
Classification: Uncertain significance. Last evaluated: 2023-12-11. Review status: criteria provided, single submitter. Criteria: GeneDx Variant Classification Process June 2021. Collection method: clinical testing. Allele origin: germline. Affected: yes.
Comment: Not observed at significant frequency in large population cohorts (gnomAD); In silico analysis supports that this missense variant has a deleterious effect on protein structure/function; Somatic variant identified in tumor tissue of a non-small cell lung cancer patient (PMID: 34244308); This variant is associated with the following publications: (PMID: 34244308)

Fulgent Genetics
Classification: Uncertain significance for Pfeiffer syndrome; Jackson-Weiss syndrome; Hypogonadotropic hypogonadism 2 with or without anosmia; Osteoglophonic dysplasia; Trigonocephaly 1; Encephalocraniocutaneous lipomatosis; Hartsfield-Bixler-Demyer syndrome. Last evaluated: 2021-12-07. Review status: criteria provided, single submitter. Criteria: ACMG Guidelines, 2015. Collection method: clinical testing. Allele origin: unknown.